The following is an entry in ClinVar:

ClinVar aggregate classification (germline): Likely pathogenic. Review status: criteria provided, single submitter (1 of 4 stars). 2 submissions from 2 submitters: Likely pathogenic (1). 1 of the submissions does not count toward it. Last evaluated 2024-04-18.

Conditions:
beta Thalassemia (BTHAL). Also called: Cooley's anemia; Erythroblastic anemia; Mediterranean anemia. Identifiers: Orphanet 848, MedGen C0005283, MONDO:0019402. Disease mechanism: loss of function.

Allele frequency attached by ClinVar (database versions not stated): gnomAD exomes below 0.00001.

Submissions (2):

Natera, Inc.
Classification: Likely pathogenic for Beta thalassemia. Last evaluated: 2024-04-18. Review status: criteria provided, single submitter. Criteria: Natera Variant Classification Schema (03/2026). Collection method: clinical testing. Allele origin: germline.
Comment: The c.375dupA variant in HBB is a frameshift variant predicted to shift the reading frame beginning at codon 126 and leads to a stop codon 15 codons downstream. This variant is expected to result in nonsense mediated decay, truncation, or a dysfunctional protein product. This variant is rare in the general population with a frequency below the threshold expected for the associated phenotype(s). Given the available evidence, this variant is classified as Likely Pathogenic.

The ITHANET community portal, The Cyprus Institute of Neurology and Genetics
Classification: Pathogenic for beta Thalassemia. Last evaluated: 2019-11-25. Review status: no assertion criteria provided. Collection method: curation. Allele origin: germline. Not counted in ClinVar's aggregate classification.

Literature cited by the submitters: PubMed 26635043 (cited by The ITHANET community portal, The Cyprus Institute of Neurology and Genetics).

NM_000518.5(HBB):c.375dup (p.Pro126fs)

Genes: HBB (hemoglobin subunit beta; minus strand), LOC107133510 (origin of replication at HBB; plus strand), LOC110006319 (beta-globin gene 3' regulatory region; plus strand). Cytogenetic location: 11p15.4.
Variant type: Duplication.
Coding change: c.375dup on transcript NM_000518.5 (MANE Select); coding-DNA position 375, one base duplicated (A; older notation c.375dupA).
Protein change: p.Pro126fs; shifts the reading frame from proline 126.
Molecular consequence: frameshift variant.
Genome position (GRCh38, 1-based): chr11:5,225,667, T duplicated on the plus strand (A on the coding strand, the reverse complement: HBB is on the minus strand). VCF-style (leftmost placement, unchanged base first): chr11-5225666-G-GT. GRCh37 (hg19) VCF-style: chr11-5246896-G-GT.
Other names: CD 124/125 (+A); c.375dupA (NM_000518.5); short protein forms P126fs.
Identifiers: ClinVar variation 869284 (VCV000869284.2), dbSNP rs281864544, ClinGen allele CA217112549.